The following is an entry in ClinVar:

NM_017763.6(RNF43):c.2160A>C (p.Ser720=)

Gene: RNF43 (ring finger protein 43; minus strand). Cytogenetic location: 17q22.
Variant type: single nucleotide variant.
Coding change: c.2160A>C on transcript NM_017763.6 (MANE Select); coding-DNA position 2160, A replaced by C.
Protein change: p.Ser720=; no amino-acid change (serine 720 retained).
Molecular consequence: synonymous variant.
Genome position (GRCh38, 1-based): chr17:58,357,616, T>G on the plus strand (A>C on the coding strand, the complement: RNF43 is on the minus strand). VCF-style: chr17-58357616-T-G. GRCh37 (hg19) VCF-style: chr17-56434977-T-G.
Other names: c.2160A>C, p.Ser720= (NM_001305544.3, NM_001438820.1, NM_001438821.1 and 1 more transcripts); c.1779A>C, p.Ser593= (NM_001305545.2, NM_001437987.1).
Identifiers: ClinVar variation 5042443 (VCV005042443.1).

ClinVar aggregate classification (germline): Benign (1 of 4 stars; one submission).

Conditions:
Sessile serrated polyposis cancer syndrome (SSPCS). Identifiers: Orphanet 157798, MedGen C4310714, MONDO:0014919, OMIM 617108.

Submission:

Myriad Genetics, Inc.
Classification: Benign for Sessile serrated polyposis cancer syndrome. Last evaluated: 2026-07-02. Review status: criteria provided, single submitter. Criteria: Myriad Autosomal Dominant, Autosomal Recessive and X-Linked Classification Criteria (2023). Collection method: clinical testing. Allele origin: unknown.
Comment: This variant is considered benign. This variant is a silent/synonymous amino acid change and it is not expected to impact splicing.